The following is an entry in ClinVar:

ClinVar aggregate classification (germline): Uncertain significance. Review status: criteria provided, multiple submitters, no conflicts (2 of 4 stars). 2 submissions from 2 submitters: Uncertain significance (2). Last evaluated 2026-03-03.

Allele frequency attached by ClinVar (database versions not stated): gnomAD 0.00002 and 0.00003; gnomAD exomes 0.00002 and 0.00003; TOPMed 0.00002; ExAC 0.00005; ESP Exome Variant Server 0.00008.
gnomAD v4.1: 28 of 1,613,716 alleles (0.0017%); highest among the groups gnomAD compares: East Asian, 0.018%; no homozygotes.

Submissions (2):

Women's Health and Genetics/Laboratory Corporation of America, LabCorp
Classification: Uncertain significance. Last evaluated: 2026-03-03. Review status: criteria provided, single submitter. Criteria: LabCorp Variant Classification Summary - May 2015. Collection method: clinical testing. Allele origin: germline.
Comment: Variant summary: PROC c.31G>A (p.Val11Met) results in a conservative amino acid change in the encoded protein sequence. Algorithms developed to predict the effect of missense changes on protein structure and function are either unavailable or do not agree on the potential impact of this missense change. The variant allele was found at a frequency of 3.2e-05 in 251324 control chromosomes. The available data on variant occurrences in the general population are insufficient to allow any conclusion about variant significance. To our knowledge, no occurrence of c.31G>A in individuals affected with PROC-related conditions and no experimental evidence demonstrating its impact on protein function have been reported. ClinVar contains an entry for this variant (Variation ID: 1339294). Based on the evidence outlined above, the variant was classified as uncertain significance.

Phosphorus, Inc.
Classification: Uncertain significance. Last evaluated: 2022-01-14. Review status: criteria provided, single submitter. Criteria: ACMG Guidelines, 2015. Collection method: clinical testing. Allele origin: germline. Inheritance: Autosomal dominant inheritance.
Comment: This missense variant results in an amino acid substitution of valine with methionine at codon 11 of the PROC gene (NM_000312.3). The variant has no entry in ClinVar and has occurred in GnomAD with a total MAF of 0.0032% and highest MAF of 0.0065% in the African population. This position is not conserved. In silico functional algorithms agreed, with PolyPhen calling it benign, and SIFT tolerated, but no functional studies were performed to confirm these predictions. The variant has not occurred in literature associated with disease. Considering that this is a rare variant, whose impact on the protein and association with disease are unknown, it has been classified as a Variant of Uncertain Significance.

NM_000312.4(PROC):c.31G>A (p.Val11Met)

Gene: PROC (protein C, inactivator of coagulation factors Va and VIIIa; plus strand). Cytogenetic location: 2q14.3.
Variant type: single nucleotide variant.
Coding change: c.31G>A on transcript NM_000312.4 (MANE Select); coding-DNA position 31, G replaced by A.
Protein change: p.Val11Met; replaces valine 11 with methionine.
Molecular consequence: missense variant. On other transcripts: synonymous variant (1), intron variant (1).
Genome position (GRCh38, 1-based): chr2:127,419,973, G>A. VCF-style: chr2-127419973-G-A. GRCh37 (hg19) VCF-style: chr2-128177549-G-A.
Other names: c.214G>A, p.Val72Met (NM_001375602.1); c.94G>A, p.Val32Met (NM_001375603.1, NM_001375604.1, NM_001375606.1); c.31G>A, p.Val11Met (NM_001375605.1, NM_001375608.1, NM_001375610.1 and 2 more transcripts); c.150G>A, p.Ser50= (NM_001375607.1); c.47-1310G>A (NM_001375609.1); short protein forms V11M, V32M, V72M.
Identifiers: ClinVar variation 1339294 (VCV001339294.2), dbSNP rs368493458, ClinGen allele CA1859194.